The following is an entry in ClinVar:

NM_001035.3(RYR2):c.2513G>A (p.Arg838Gln)

Gene: RYR2 (ryanodine receptor 2; plus strand). Cytogenetic location: 1q43.
Variant type: single nucleotide variant.
Coding change: c.2513G>A on transcript NM_001035.3 (MANE Select); coding-DNA position 2513, G replaced by A.
Protein change: p.Arg838Gln; replaces arginine 838 with glutamine.
Molecular consequence: missense variant.
Genome position (GRCh38, 1-based): chr1:237,503,405, G>A. VCF-style: chr1-237503405-G-A. GRCh37 (hg19) VCF-style: chr1-237666705-G-A.
Other names: c.2513G>A (NM_001035.2); short protein forms R838Q.
Identifiers: ClinVar variation 928322 (VCV000928322.10), dbSNP rs764043352, ClinGen allele CA086063.

ClinVar aggregate classification (germline): Conflicting classifications of pathogenicity. Review status: criteria provided, conflicting classifications (1 of 4 stars). 4 submissions from 4 submitters: Uncertain significance (3); Likely benign (1). Last evaluated 2025-06-24.

Conditions:
Catecholaminergic polymorphic ventricular tachycardia (CVPT). Also called: Catecholamine-induced polymorphic ventricular tachycardia. Identifiers: Orphanet 3286, MedGen C5574922, MONDO:0017990.
Cardiomyopathy (CMYO). Also called: Cardiomyopathies. Identifiers: Orphanet 167848, MedGen C0878544, MONDO:0004994, HP:0001638. Inheritance: Various modes of inheritance.
Cardiovascular phenotype. Identifiers: MedGen CN230736.
Catecholaminergic polymorphic ventricular tachycardia 1. Also called: VENTRICULAR TACHYCARDIA, CATECHOLAMINERGIC POLYMORPHIC, 1, WITH OR WITHOUT ATRIAL DYSFUNCTION AND/OR DILATED CARDIOMYOPATHY; VENTRICULAR TACHYCARDIA, STRESS-INDUCED POLYMORPHIC 1; RYR2-Related Catecholaminergic Polymorphic Ventricular Tachycardia. Identifiers: Orphanet 3286, MedGen C1631597, MONDO:0011484, OMIM 604772.

Allele frequency attached by ClinVar (database versions not stated): gnomAD exomes below 0.00001 and 0.00001; ExAC 0.00001; gnomAD 0.00001; TOPMed 0.00002.
gnomAD v4.1: 4 of 1,613,792 alleles (0.00025%); highest among the groups gnomAD compares: African/African-American, 0.0013%; no homozygotes.

Submissions (4):

Color Diagnostics, LLC DBA Color Health
Classification: Uncertain significance for Cardiomyopathy. Last evaluated: 2025-06-24. Review status: criteria provided, single submitter. Criteria: ACMG Guidelines, 2015. Collection method: clinical testing. Allele origin: germline.
Comment: This missense variant replaces arginine with glutamine at codon 838 of the RYR2 protein. Computational prediction suggests that this variant may not impact protein structure and function. To our knowledge, functional studies have not been reported for this variant. This variant has not been reported in individuals affected with RYR2-related disorders in the literature. This variant has been identified in 2/249292 chromosomes in the general population by the Genome Aggregation Database (gnomAD). The available evidence is insufficient to determine the role of this variant in disease conclusively. Therefore, this variant is classified as a Variant of Uncertain Significance.

All of Us Research Program, National Institutes of Health
Classification: Uncertain significance for Catecholaminergic polymorphic ventricular tachycardia. Last evaluated: 2023-11-28. Review status: criteria provided, single submitter. Criteria: ACMG Guidelines, 2015. Collection method: clinical testing. Allele origin: germline. Inheritance: Autosomal dominant inheritance. Observed: 2 variant alleles, 2 heterozygotes.
Comment: Variant of Uncertain Significance due to insufficient evidence: This missense variant replaces arginine with glutamine at codon 838 of the RYR2 protein. Computational prediction tools and conservation analyses are inconclusive regarding the impact of this variant on the protein function. Computational splicing tools suggest that this variant may not impact RNA splicing. To our knowledge, functional assays have not been performed for this variant nor has this variant been reported in individuals affected with cardiovascular disorders in the literature. This variant has been identified in 2/249292 chromosomes in the general population by the Genome Aggregation Database (gnomAD). Available evidence is insufficient to determine the role of this variant in disease conclusively.

This study involves interpretation of variants in research participants for the purpose of population health screening. Participant phenotype was not available at the time of variant classification. Additional details can be found in publication PMID: 35346344, PMCID: PMC8962531

Labcorp Genetics (formerly Invitae), Labcorp
Classification: Likely benign for Catecholaminergic polymorphic ventricular tachycardia 1. Last evaluated: 2022-08-23. Review status: criteria provided, single submitter. Criteria: Invitae Variant Classification Sherloc (09022015). Collection method: clinical testing. Allele origin: germline.

Ambry Genetics
Classification: Uncertain significance for Cardiovascular phenotype. Last evaluated: 2019-10-08. Review status: criteria provided, single submitter. Criteria: Ambry Variant Classification Scheme 2023. Collection method: clinical testing. Allele origin: germline.
Comment: The p.R838Q variant (also known as c.2513G>A), located in coding exon 22 of the RYR2 gene, results from a G to A substitution at nucleotide position 2513. The arginine at codon 838 is replaced by glutamine, an amino acid with highly similar properties. This amino acid position is not well conserved in available vertebrate species, and glutamine is the reference amino acid in other vertebrate species. In addition, the in silico prediction for this alteration is inconclusive. Since supporting evidence is limited at this time, the clinical significance of this alteration remains unclear.